The following is an entry in ClinVar:

ClinVar aggregate classification (germline): Conflicting classifications of pathogenicity. Review status: criteria provided, conflicting classifications (1 of 4 stars). 5 submissions from 5 submitters: Uncertain significance (2); Benign (1); Likely benign (1). 1 of the submissions does not count toward it. Last evaluated 2025-12-29.

Conditions:
Cone-rod dystrophy 15 (CORD15). Identifiers: MedGen C3150912, MONDO:0013348, OMIM 613660.
CDHR1-related disorder. Also called: CDHR1-related condition.
Inborn genetic diseases. Identifiers: MedGen C0950123, MeSH D030342.

Allele frequency attached by ClinVar (database versions not stated): gnomAD exomes 0.00047; ExAC 0.00061; 1000 Genomes Project 30x 0.00125; 1000 Genomes Project 0.00140; gnomAD 0.00182 and 0.00194; ESP Exome Variant Server 0.00192; TOPMed 0.00218.
gnomAD v4.1: 522 of 1,614,060 alleles (0.032%); highest among the groups gnomAD compares: African/African-American, 0.6%; no homozygotes.

Submissions (5):

Labcorp Genetics (formerly Invitae), Labcorp
Classification: Benign. Last evaluated: 2025-12-29. Review status: criteria provided, single submitter. Criteria: Invitae Variant Classification Sherloc (09022015). Collection method: clinical testing. Allele origin: germline.

Blueprint Genetics
Classification: Likely benign. Last evaluated: 2024-10-04. Review status: criteria provided, single submitter. Criteria: ACMG Guidelines, 2015. Collection method: clinical testing. Allele origin: germline.

Ambry Genetics
Classification: Uncertain significance for Inborn genetic diseases. Last evaluated: 2021-09-16. Review status: criteria provided, single submitter. Criteria: Ambry Variant Classification Scheme 2023. Collection method: clinical testing. Allele origin: germline.

Illumina Laboratory Services, Illumina
Classification: Uncertain significance for Cone-rod dystrophy 15. Last evaluated: 2018-01-13. Review status: criteria provided, single submitter. Criteria: ICSL Variant Classification Criteria 13 December 2019. Collection method: clinical testing. Allele origin: germline.

PreventionGenetics, part of Exact Sciences
Classification: Likely benign for CDHR1-related condition. Last evaluated: 2019-06-05. Review status: no assertion criteria provided. Collection method: clinical testing. Allele origin: germline. Not counted in ClinVar's aggregate classification.
Comment: This variant is classified as likely benign based on ACMG/AMP sequence variant interpretation guidelines (Richards et al. 2015 PMID: 25741868, with internal and published modifications).

NM_033100.4(CDHR1):c.938G>A (p.Arg313Lys)

Gene: CDHR1 (cadherin related family member 1; plus strand). Cytogenetic location: 10q23.1.
Variant type: single nucleotide variant.
Coding change: c.938G>A on transcript NM_033100.4 (MANE Select); coding-DNA position 938, G replaced by A.
Protein change: p.Arg313Lys; replaces arginine 313 with lysine.
Molecular consequence: missense variant.
Genome position (GRCh38, 1-based): chr10:84,205,902, G>A. VCF-style: chr10-84205902-G-A. GRCh37 (hg19) VCF-style: chr10-85965658-G-A.
Other names: c.938G>A, p.Arg313Lys (NM_001171971.3); c.938G>A (NM_033100.2); short protein forms R313K.
Identifiers: ClinVar variation 878809 (VCV000878809.16), dbSNP rs144058677, ClinGen allele CA5579779.
Genomic context (GRCh38, chr10:84,205,902, plus strand): 5'-TTGAAATTAATGAGACATCTGGAGCCATCTCCATCACTCAGAGCCCGGCCCAGCTCCAGA[G>A]AGAGGTGTATGAGCTGCATGTACAGGTACCCTCCCTCTAGCTTTGTCTTCCCTGCCCACC-3'
Protein context (NP_149091.1, residues 303-323): SITQSPAQLQ[Arg313Lys]EVYELHVQVT